The following is an entry in ClinVar:

ClinVar aggregate classification (germline): Uncertain significance (1 of 4 stars; one submission).

Conditions:
Hereditary spastic paraplegia 73. Also called: Spastic paraplegia 73, autosomal dominant. Identifiers: Orphanet 444099, MedGen C5568981, MONDO:0014568, OMIM 616282.

Allele frequency attached by ClinVar (database versions not stated): gnomAD 0.00001; gnomAD exomes 0.00002 and 0.00003; ExAC 0.00005.
gnomAD v4.1: 30 of 1,613,884 alleles (0.0019%); highest among the groups gnomAD compares: Admixed American, 0.0033%; no homozygotes.

Submission:

Labcorp Genetics (formerly Invitae), Labcorp
Classification: Uncertain significance for Hereditary spastic paraplegia 73. Last evaluated: 2017-01-27. Review status: criteria provided, single submitter. Criteria: Invitae Variant Classification Sherloc (09022015). Collection method: clinical testing. Allele origin: germline.
Comment: This sequence change replaces glycine with arginine at codon 451 of the CPT1C protein (p.Gly451Arg). The glycine residue is highly conserved and there is a moderate physicochemical difference between glycine and arginine. This variant is present in population databases (rs577177807, ExAC 0.02%) but has not been reported in the literature in individuals with a CPT1C-related disease. Algorithms developed to predict the effect of missense changes on protein structure and function do not agree on the potential impact of this missense change (SIFT: "Deleterious"; PolyPhen-2: "Probably Damaging"; Align-GVGD: "Class C15"). Algorithms developed to predict the effect of sequence changes on RNA splicing suggest that this variant may alter RNA splicing, but this prediction has not been confirmed by published transcriptional studies. In summary, this variant is a rare missense change with uncertain impact on protein function. There is no indication that it causes disease, but the available evidence is currently insufficient to prove that conclusively. Therefore, it has been classified as a Variant of Uncertain Significance.

NM_001199753.2(CPT1C):c.1384G>A (p.Gly462Arg)

Gene: CPT1C (carnitine palmitoyltransferase 1C; plus strand). Cytogenetic location: 19q13.33.
Variant type: single nucleotide variant.
Coding change: c.1384G>A on transcript NM_001199753.2 (MANE Select); coding-DNA position 1384, G replaced by A.
Protein change: p.Gly462Arg; replaces glycine 462 with arginine.
Molecular consequence: missense variant. On other transcripts: non-coding transcript variant (1).
Genome position (GRCh38, 1-based): chr19:49,707,558, G>A. VCF-style: chr19-49707558-G-A. GRCh37 (hg19) VCF-style: chr19-50210815-G-A.
Other names: c.1351G>A, p.Gly451Arg (NM_001136052.3, NM_001378485.1, NM_001378487.1); c.1384G>A, p.Gly462Arg (NM_001199752.3, NM_001378483.1, NM_001378484.1 and 3 more transcripts); c.1450G>A, p.Gly484Arg (NM_001378482.1); short protein forms G462R, G451R, G484R.
Identifiers: ClinVar variation 476168 (VCV000476168.1), dbSNP rs577177807, ClinGen allele CA9582166.
Genomic context (GRCh38, chr19:49,707,558, plus strand): 5'-ATCTGAACTCTCCCTGACAGCTGGTTTGACAAATCCTTCACCCTAATCGTCTTCTCTAAC[G>A]GGAAGCTGGGCCTCAGCGTGGAGCACTCCTGGGCCGACTGCCCCATCTCAGGACACATGT-3'
Protein context (NP_001186682.1, residues 452-472): KSFTLIVFSN[Gly462Arg]KLGLSVEHSW